The following is an entry in ClinVar:

NM_005765.3(ATP6AP2):c.301-206T>C

Gene: ATP6AP2 (ATPase H+ transporting accessory protein 2; plus strand). Cytogenetic location: Xp11.4.
Variant type: single nucleotide variant.
Coding change: c.301-206T>C on transcript NM_005765.3 (MANE Select); 206 bases into the intron before coding-DNA position 301, T replaced by C.
Molecular consequence: intron variant.
Genome position (GRCh38, 1-based): chrX:40,597,043, T>C. VCF-style: chrX-40597043-T-C. GRCh37 (hg19) VCF-style: chrX-40456295-T-C.
Identifiers: ClinVar variation 677653 (VCV000677653.2), dbSNP rs57899511, ClinGen allele CA328988251.

ClinVar aggregate classification (germline): Benign. Review status: criteria provided, multiple submitters, no conflicts (2 of 4 stars). 2 submissions from 2 submitters: Benign (2). Last evaluated 2018-06-19.

Allele frequency attached by ClinVar (database versions not stated): gnomAD exomes 0.00397; 1000 Genomes Project 0.02781; gnomAD 0.02798 and 0.02986; 1000 Genomes Project 30x 0.03122; TOPMed 0.03333.
gnomAD v4.1: 4,401 of 414,739 alleles (1.1%); highest among the groups gnomAD compares: African/African-American, 9.7%; 142 homozygotes.

Submissions (2):

GeneDx
Classification: Benign. Last evaluated: 2018-06-19. Review status: criteria provided, single submitter. Criteria: GeneDx Variant Classification (06012015). Collection method: clinical testing. Allele origin: germline. Affected: yes.
Comment: This variant is considered likely benign or benign based on one or more of the following criteria: it is a conservative change, it occurs at a poorly conserved position in the protein, it is predicted to be benign by multiple in silico algorithms, and/or has population frequency not consistent with disease.

Breakthrough Genomics
Classification: Benign. Review status: criteria provided, single submitter. Criteria: ACMG Guidelines, 2015. Collection method: not provided. Allele origin: germline. Inheritance: X-linked inheritance. Affected: yes.